The following is an entry in ClinVar:

ClinVar aggregate classification (germline): Uncertain significance. Review status: criteria provided, multiple submitters, no conflicts (2 of 4 stars). 2 submissions from 2 submitters: Uncertain significance (2). Last evaluated 2023-10-03.

Conditions:
Bethlem myopathy 1A. Also called: Bethlem Muscular Dystrophy; MYOPATHY, BENIGN CONGENITAL, WITH CONTRACTURES; Bethlem myopathy 1. Identifiers: Orphanet 610, MedGen CN029274, MONDO:0024530, OMIM 158810.

Allele frequency attached by ClinVar (database versions not stated): gnomAD 0.00001; gnomAD exomes 0.00001; TOPMed 0.00001.
gnomAD v4.1: 7 of 1,613,928 alleles (0.00043%); highest among the groups gnomAD compares: African/African-American, 0.0013%; no homozygotes.

Submissions (2):

Labcorp Genetics (formerly Invitae), Labcorp
Classification: Uncertain significance for Bethlem myopathy 1A. Last evaluated: 2023-10-03. Review status: criteria provided, single submitter. Criteria: Invitae Variant Classification Sherloc (09022015). Collection method: clinical testing. Allele origin: germline.
Comment: This sequence change replaces lysine, which is basic and polar, with glutamic acid, which is acidic and polar, at codon 813 of the COL6A1 protein (p.Lys813Glu). This variant is not present in population databases (gnomAD no frequency). This variant has not been reported in the literature in individuals affected with COL6A1-related conditions. ClinVar contains an entry for this variant (Variation ID: 476426). An algorithm developed to predict the effect of missense changes on protein structure and function (PolyPhen-2) suggests that this variant is likely to be tolerated. In summary, the available evidence is currently insufficient to determine the role of this variant in disease. Therefore, it has been classified as a Variant of Uncertain Significance.

Revvity Omics, Revvity
Classification: Uncertain significance. Last evaluated: 2022-09-01. Review status: criteria provided, single submitter. Criteria: ACMG Guidelines, 2015. Collection method: clinical testing. Allele origin: germline.

NM_001848.3(COL6A1):c.2437A>G (p.Lys813Glu)

Gene: COL6A1 (collagen type VI alpha 1 chain; plus strand). Cytogenetic location: 21q22.3.
Variant type: single nucleotide variant.
Coding change: c.2437A>G on transcript NM_001848.3 (MANE Select); coding-DNA position 2437, A replaced by G.
Protein change: p.Lys813Glu; replaces lysine 813 with glutamic acid.
Molecular consequence: missense variant.
Genome position (GRCh38, 1-based): chr21:46,003,122, A>G. VCF-style: chr21-46003122-A-G. GRCh37 (hg19) VCF-style: chr21-47423036-A-G.
Other names: short protein forms K813E.
Identifiers: ClinVar variation 476426 (VCV000476426.9), dbSNP rs936641232, ClinGen allele CA321979775.